The following is an entry in ClinVar:

ClinVar aggregate classification (germline): Uncertain significance. Review status: criteria provided, multiple submitters, no conflicts (2 of 4 stars). 2 submissions from 2 submitters: Uncertain significance (2). Last evaluated 2026-02-20.

Allele frequency attached by ClinVar (database versions not stated): gnomAD exomes below 0.00001; TOPMed 0.00001.
gnomAD v4.1: 4 of 1,494,750 alleles (0.00027%); highest among the groups gnomAD compares: Non-Finnish European, 0.00037%; no homozygotes.

Submissions (2):

Dasa
Classification: Uncertain significance. Last evaluated: 2026-02-20. Review status: criteria provided, single submitter. Criteria: DASA Assertion Criteria. Collection method: clinical testing. Allele origin: germline.
Comment: NM_001365951.3(KIF1B):c.958+3A>G is a splice-region variant. This variant is rare in population databases. Computational prediction algorithms are consistent with a deleterious effect. The currently available literature and clinical evidence are not sufficient to establish a definitive association between this variant and the reported condition. Therefore, this variant is classified as a variant of uncertain significance.

Ambry Genetics
Classification: Uncertain significance. Last evaluated: 2023-11-17. Review status: criteria provided, single submitter. Criteria: Ambry Variant Classification Scheme 2023. Collection method: clinical testing. Allele origin: germline.
Comment: The c.940+3A>G intronic variant results from an A to G substitution 3 nucleotides after coding exon 9 in the KIF1B gene. This nucleotide position is highly conserved in available vertebrate species. In silico splice site analysis for this alteration is inconclusive. The evidence for this gene-disease relationship is limited; therefore, the clinical significance of this alteration is unclear.

NM_001365951.3(KIF1B):c.958+3A>G

Gene: KIF1B (kinesin family member 1B; plus strand). Cytogenetic location: 1p36.22.
Variant type: single nucleotide variant.
Coding change: c.958+3A>G on transcript NM_001365951.3 (MANE Select); 3 bases into the intron after coding-DNA position 958, A replaced by G.
Molecular consequence: intron variant.
Genome position (GRCh38, 1-based): chr1:10,275,506, A>G. VCF-style: chr1-10275506-A-G. GRCh37 (hg19) VCF-style: chr1-10335564-A-G.
Other names: c.940+3A>G (NM_183416.4, NM_015074.3, NM_001365953.1); c.958+3A>G (NM_001365952.1).
Identifiers: ClinVar variation 3226566 (VCV003226566.3), dbSNP rs1442935292, ClinGen allele CA521135518.